The following is an entry in ClinVar:

NM_000090.4(COL3A1):c.436A>G (p.Thr146Ala)

Gene: COL3A1 (collagen type III alpha 1 chain; plus strand). Cytogenetic location: 2q32.2.
Variant type: single nucleotide variant.
Coding change: c.436A>G on transcript NM_000090.4 (MANE Select); coding-DNA position 436, A replaced by G.
Protein change: p.Thr146Ala; replaces threonine 146 with alanine.
Molecular consequence: missense variant.
Genome position (GRCh38, 1-based): chr2:188,985,767, A>G. VCF-style: chr2-188985767-A-G. GRCh37 (hg19) VCF-style: chr2-189850493-A-G.
Other names: short protein forms T146A.
Identifiers: ClinVar variation 1720839 (VCV001720839.6), dbSNP rs1688053870, ClinGen allele CA349847989.
Genomic context (GRCh38, chr2:188,985,767, plus strand): 5'-CCAGGACAACCAGGGTCCCCTGGTTCTCCTGGCCCCCCTGGAATCTGTGAATCATGCCCT[A>G]CTGGTCCTCAGGTATAACAATTACGGTACTTAAAAAATTCCCTCATAAAACTATCTAGTT-3'
Protein context (NP_000081.2, residues 136-156): GPPGICESCP[Thr146Ala]GPQNYSPQYD

ClinVar aggregate classification (germline): Uncertain significance (1 of 4 stars; one submission).

Conditions:
Ehlers-Danlos syndrome, type 4 (EDSVASC). Also called: Ehlers-Danlos syndrome vascular type; Ehlers Danlos syndrome, ecchymotic type; Ehlers Danlos syndrome, arterial type; Ehlers Danlos syndrome, Sack-Barabas type; Ehlers-Danlos Syndrome Type IV. Identifiers: Orphanet 286, MedGen C0268338, MONDO:0017314, OMIM 130050.

Submission:

Labcorp Genetics (formerly Invitae), Labcorp
Classification: Uncertain significance for Ehlers-Danlos syndrome, type 4. Last evaluated: 2022-10-02. Review status: criteria provided, single submitter. Criteria: Invitae Variant Classification Sherloc (09022015). Collection method: clinical testing. Allele origin: germline.
Comment: This sequence change replaces threonine, which is neutral and polar, with alanine, which is neutral and non-polar, at codon 146 of the COL3A1 protein (p.Thr146Ala). In summary, the available evidence is currently insufficient to determine the role of this variant in disease. Therefore, it has been classified as a Variant of Uncertain Significance. Advanced modeling of protein sequence and biophysical properties (such as structural, functional, and spatial information, amino acid conservation, physicochemical variation, residue mobility, and thermodynamic stability) performed at Invitae indicates that this missense variant is not expected to disrupt COL3A1 protein function. This variant has not been reported in the literature in individuals affected with COL3A1-related conditions. This variant is not present in population databases (gnomAD no frequency).